The following is an entry in ClinVar:

NM_016122.3(CEP83):c.2020G>A (p.Glu674Lys)

Gene: CEP83 (centrosomal protein 83; minus strand). Cytogenetic location: 12q22.
Variant type: single nucleotide variant.
Coding change: c.2020G>A on transcript NM_016122.3 (MANE Select); coding-DNA position 2020, G replaced by A.
Protein change: p.Glu674Lys; replaces glutamic acid 674 with lysine.
Molecular consequence: missense variant. On other transcripts: non-coding transcript variant (2).
Genome position (GRCh38, 1-based): chr12:94,308,899, C>T on the plus strand (G>A on the coding strand, the complement: CEP83 is on the minus strand). VCF-style: chr12-94308899-C-T. GRCh37 (hg19) VCF-style: chr12-94702675-C-T.
Other names: c.1708G>A, p.Glu570Lys (NM_001346458.2, NM_001346459.2, NM_001368039.1 and 1 more transcripts); c.2020G>A, p.Glu674Lys (NM_001368037.1, NM_001368038.1, NM_001042399.2 and 1 more transcripts); c.1795G>A, p.Glu599Lys (NM_001368041.1); short protein forms E570K, E599K, E674K.
Identifiers: ClinVar variation 954930 (VCV000954930.9), dbSNP rs1969381470, ClinGen allele CA386046113.

ClinVar aggregate classification (germline): Uncertain significance (1 of 4 stars; one submission).

Conditions:
Nephronophthisis 18 (NPHP18). Identifiers: Orphanet 655, MedGen C3890591, MONDO:0014374, OMIM 615862.

Allele frequency attached by ClinVar (database versions not stated): gnomAD exomes below 0.00001.
gnomAD v4.1: 1 of 1,610,774 alleles (0.000062%); highest among the groups gnomAD compares: Non-Finnish European, 0.000085%; no homozygotes.

Submission:

Labcorp Genetics (formerly Invitae), Labcorp
Classification: Uncertain significance for Nephronophthisis 18. Last evaluated: 2022-03-02. Review status: criteria provided, single submitter. Criteria: Invitae Variant Classification Sherloc (09022015). Collection method: clinical testing. Allele origin: germline.
Comment: In summary, the available evidence is currently insufficient to determine the role of this variant in disease. Therefore, it has been classified as a Variant of Uncertain Significance. Algorithms developed to predict the effect of missense changes on protein structure and function are either unavailable or do not agree on the potential impact of this missense change (SIFT: "Not Available"; PolyPhen-2: "Probably Damaging"; Align-GVGD: "Not Available"). ClinVar contains an entry for this variant (Variation ID: 954930). This variant has not been reported in the literature in individuals affected with CEP83-related conditions. This variant is not present in population databases (gnomAD no frequency). This sequence change replaces glutamic acid, which is acidic and polar, with lysine, which is basic and polar, at codon 674 of the CEP83 protein (p.Glu674Lys).